The following is an entry in ClinVar:

ClinVar aggregate classification (germline): Uncertain significance. Review status: criteria provided, multiple submitters, no conflicts (2 of 4 stars). 2 submissions from 2 submitters: Uncertain significance (2). Last evaluated 2022-07-09.

Conditions:
Ellis-van Creveld syndrome (EVC). Also called: MESOECTODERMAL DYSPLASIA; Chondroectodermal dysplasia; EVC-Related Ellis-van Creveld Syndrome; EVC2-Related Ellis-van Creveld Syndrome. Identifiers: Orphanet 289, MedGen C0013903, MONDO:0009162, OMIM 225500.
Curry-Hall syndrome (WAD). Also called: WEYERS ACRODENTAL DYSOSTOSIS. Identifiers: Orphanet 952, MedGen C0457013, MONDO:0008673, OMIM 193530.

Allele frequency attached by ClinVar (database versions not stated): gnomAD 0.00001; TOPMed 0.00002; ExAC 0.00010.
gnomAD v4.1: 24 of 1,613,972 alleles (0.0015%); highest among the groups gnomAD compares: South Asian, 0.015%; 1 homozygote.

Submissions (2):

Labcorp Genetics (formerly Invitae), Labcorp
Classification: Uncertain significance for Curry-Hall syndrome; Ellis-van Creveld syndrome. Last evaluated: 2022-07-09. Review status: criteria provided, single submitter. Criteria: Invitae Variant Classification Sherloc (09022015). Collection method: clinical testing. Allele origin: germline.
Comment: This sequence change replaces glycine, which is neutral and non-polar, with serine, which is neutral and polar, at codon 167 of the EVC protein (p.Gly167Ser). This variant is present in population databases (rs567701930, gnomAD 0.04%). This variant has not been reported in the literature in individuals affected with EVC-related conditions. Algorithms developed to predict the effect of missense changes on protein structure and function (SIFT, PolyPhen-2, Align-GVGD) all suggest that this variant is likely to be tolerated. In summary, the available evidence is currently insufficient to determine the role of this variant in disease. Therefore, it has been classified as a Variant of Uncertain Significance.

Revvity Omics, Revvity
Classification: Uncertain significance. Last evaluated: 2021-04-10. Review status: criteria provided, single submitter. Criteria: ACMG Guidelines, 2015. Collection method: clinical testing. Allele origin: germline.

NM_153717.3(EVC):c.499G>A (p.Gly167Ser)

Gene: EVC (EvC ciliary complex subunit 1; plus strand). Cytogenetic location: 4p16.2.
Variant type: single nucleotide variant.
Coding change: c.499G>A on transcript NM_153717.3 (MANE Select); coding-DNA position 499, G replaced by A.
Protein change: p.Gly167Ser; replaces glycine 167 with serine.
Molecular consequence: missense variant.
Genome position (GRCh38, 1-based): chr4:5,731,539, G>A. VCF-style: chr4-5731539-G-A. GRCh37 (hg19) VCF-style: chr4-5733266-G-A.
Other names: c.499G>A, p.Gly167Ser (NM_001306090.2, NM_001306092.2); short protein forms G167S.
Identifiers: ClinVar variation 2152195 (VCV002152195.4), dbSNP rs567701930, ClinGen allele CA2835717.